The following is an entry in ClinVar:

NM_000264.5(PTCH1):c.3824G>C (p.Arg1275Thr)

Gene: PTCH1 (patched 1; minus strand). Cytogenetic location: 9q22.32.
Variant type: single nucleotide variant.
Coding change: c.3824G>C on transcript NM_000264.5 (MANE Select); coding-DNA position 3824, G replaced by C.
Protein change: p.Arg1275Thr; replaces arginine 1275 with threonine.
Molecular consequence: missense variant. On other transcripts: non-coding transcript variant (1).
Genome position (GRCh38, 1-based): chr9:95,447,432, C>G on the plus strand (G>C on the coding strand, the complement: PTCH1 is on the minus strand). VCF-style: chr9-95447432-C-G. GRCh37 (hg19) VCF-style: chr9-98209714-C-G.
Other names: c.3626G>C, p.Arg1209Thr (NM_001083602.3); c.3821G>C, p.Arg1274Thr (NM_001083603.3); c.3371G>C, p.Arg1124Thr (NM_001083604.3, NM_001083605.3, NM_001083606.3 and 1 more transcripts); c.3668G>C, p.Arg1223Thr (NM_001354918.2); short protein forms R1223T, R1275T, R1124T, R1209T, R1274T.
Identifiers: ClinVar variation 2449636 (VCV002449636.2), dbSNP rs2538003324, ClinGen allele CA374110849.

ClinVar aggregate classification (germline): Uncertain significance (1 of 4 stars; one submission).

Conditions:
Hereditary cancer-predisposing syndrome. Also called: Neoplastic Syndromes, Hereditary; Hereditary Cancer Syndrome; Tumor predisposition; Hereditary neoplastic syndrome. Identifiers: Orphanet 140162, MedGen C0027672, MeSH D009386, MONDO:0015356.

Submission:

Ambry Genetics
Classification: Uncertain significance for Hereditary cancer-predisposing syndrome. Last evaluated: 2022-12-05. Review status: criteria provided, single submitter. Criteria: Ambry Variant Classification Scheme 2023. Collection method: clinical testing. Allele origin: germline.
Comment: The p.R1275T variant (also known as c.3824G>C), located in coding exon 23 of the PTCH1 gene, results from a G to C substitution at nucleotide position 3824. The arginine at codon 1275 is replaced by threonine, an amino acid with similar properties. This amino acid position is conserved. In addition, the in silico prediction for this alteration is inconclusive. Since supporting evidence is limited at this time, the clinical significance of this alteration remains unclear.